The following is an entry in ClinVar:

ClinVar aggregate classification (germline): Pathogenic (1 of 4 stars; one submission).

Conditions:
Breast-ovarian cancer, familial, susceptibility to, 2 (BROVCA2). Also called: BRCA2 Hereditary Breast and Ovarian Cancer. Identifiers: Orphanet 145, MedGen C2675520, MONDO:0012933, OMIM 612555. Disease mechanism: loss of function.

Submission:

Myriad Genetics, Inc.
Classification: Pathogenic for Breast-ovarian cancer, familial, susceptibility to, 2. Last evaluated: 2023-06-13. Review status: criteria provided, single submitter. Criteria: Myriad Autosomal Dominant, Autosomal Recessive and X-Linked Classification Criteria (2023). Collection method: clinical testing. Allele origin: unknown.
Comment: This variant is considered pathogenic. This variant creates a termination codon and is predicted to result in premature protein truncation.

NM_000059.4(BRCA2):c.4050dup (p.Lys1351Ter)

Gene: BRCA2 (BRCA2 DNA repair associated; plus strand). Cytogenetic location: 13q13.1.
Variant type: Duplication.
Coding change: c.4050dup on transcript NM_000059.4 (MANE Select); coding-DNA position 4050, one base duplicated (T; older notation c.4050dupT).
Protein change: p.Lys1351Ter; replaces lysine 1351 with a stop codon.
Molecular consequence: nonsense. On other transcripts: non-coding transcript variant (1), intron variant (2).
Genome position (GRCh38, 1-based): chr13:32,338,405, T duplicated. VCF-style (leftmost placement, unchanged base first): chr13-32338404-A-AT. GRCh37 (hg19) VCF-style: chr13-32912541-A-AT.
Other names: c.4050dup, p.Lys1351Ter (NM_001406720.1, NM_001406719.1); c.1909+5018dup (NM_001406721.1); c.425-6153dup (NM_001406722.1); short protein forms K1351*.
Identifiers: ClinVar variation 2583844 (VCV002583844.2), dbSNP rs2548527511, ClinGen allele CA2582341840.